The following is an entry in ClinVar:

NM_001394062.1(MACF1):c.19562A>C (p.Glu6521Ala)

Gene: MACF1 (microtubule actin crosslinking factor 1; plus strand). Cytogenetic location: 1p34.3.
Variant type: single nucleotide variant.
Coding change: c.19562A>C on transcript NM_001394062.1 (MANE Select); coding-DNA position 19562, A replaced by C.
Protein change: p.Glu6521Ala; replaces glutamic acid 6521 with alanine.
Molecular consequence: missense variant.
Genome position (GRCh38, 1-based): chr1:39,444,792, A>C. VCF-style: chr1-39444792-A-C. GRCh37 (hg19) VCF-style: chr1-39910464-A-C.
Other names: c.7640A>C, p.Glu2547Ala (NM_001397473.1); c.13385A>C, p.Glu4462Ala (NM_012090.5); short protein forms E2547A, E4462A, E6521A.
Identifiers: ClinVar variation 1694509 (VCV001694509.31), dbSNP rs768553825, ClinGen allele CA784163.

ClinVar aggregate classification (germline): Likely benign (1 of 4 stars; one submission).

Allele frequency attached by ClinVar (database versions not stated): gnomAD 0.00001; TOPMed 0.00001; gnomAD exomes 0.00002 and 0.00006; ExAC 0.00004; 1000 Genomes Project 30x 0.00031.
gnomAD v4.1: 32 of 1,613,524 alleles (0.002%); highest among the groups gnomAD compares: South Asian, 0.034%; no homozygotes.

Submission:

CeGaT Center for Human Genetics Tuebingen
Classification: Likely benign. Last evaluated: 2022-04-01. Review status: criteria provided, single submitter. Criteria: CeGaT Center For Human Genetics Tuebingen Variant Classification Criteria Version 2. Collection method: clinical testing. Allele origin: germline. Affected: yes. Observed: 1 variant allele.
Comment: MACF1: BS2